The following is an entry in ClinVar:

ClinVar aggregate classification (germline): Uncertain significance. Review status: criteria provided, multiple submitters, no conflicts (2 of 4 stars). 2 submissions from 2 submitters: Uncertain significance (2). Last evaluated 2024-09-01.

Conditions:
Hereditary nonpolyposis colorectal neoplasms. Identifiers: MedGen C0009405, MeSH D003123.
Hereditary cancer-predisposing syndrome. Also called: Hereditary Cancer Syndrome; Hereditary neoplastic syndrome; Neoplastic Syndromes, Hereditary; Tumor predisposition. Identifiers: Orphanet 140162, MedGen C0027672, MeSH D009386, MONDO:0015356.

Submissions (2):

Labcorp Genetics (formerly Invitae), Labcorp
Classification: Uncertain significance for Hereditary nonpolyposis colorectal neoplasms. Last evaluated: 2024-09-01. Review status: criteria provided, single submitter. Criteria: Invitae Variant Classification Sherloc (09022015). Collection method: clinical testing. Allele origin: germline.
Comment: This sequence change replaces proline, which is neutral and non-polar, with alanine, which is neutral and non-polar, at codon 150 of the MSH6 protein (p.Pro150Ala). This variant is not present in population databases (gnomAD no frequency). This variant has not been reported in the literature in individuals affected with MSH6-related conditions. ClinVar contains an entry for this variant (Variation ID: 1740950). Invitae Evidence Modeling of protein sequence and biophysical properties (such as structural, functional, and spatial information, amino acid conservation, physicochemical variation, residue mobility, and thermodynamic stability) indicates that this missense variant is not expected to disrupt MSH6 protein function with a negative predictive value of 95%. In summary, the available evidence is currently insufficient to determine the role of this variant in disease. Therefore, it has been classified as a Variant of Uncertain Significance.

Ambry Genetics
Classification: Uncertain significance for Hereditary cancer-predisposing syndrome. Last evaluated: 2022-02-05. Review status: criteria provided, single submitter. Criteria: Ambry Variant Classification Scheme 2023. Collection method: clinical testing. Allele origin: germline.
Comment: The p.P150A variant (also known as c.448C>G), located in coding exon 2 of the MSH6 gene, results from a C to G substitution at nucleotide position 448. The proline at codon 150 is replaced by alanine, an amino acid with highly similar properties. This amino acid position is conserved. In addition, this alteration is predicted to be tolerated by in silico analysis. Since supporting evidence is limited at this time, the clinical significance of this alteration remains unclear.

NM_000179.3(MSH6):c.448C>G (p.Pro150Ala)

Gene: MSH6 (mutS homolog 6; plus strand). Cytogenetic location: 2p16.3.
Variant type: single nucleotide variant.
Coding change: c.448C>G on transcript NM_000179.3 (MANE Select); coding-DNA position 448, C replaced by G.
Protein change: p.Pro150Ala; replaces proline 150 with alanine.
Molecular consequence: missense variant. On other transcripts: 5 prime UTR variant (2), intron variant (1).
Genome position (GRCh38, 1-based): chr2:47,791,114, C>G. VCF-style: chr2-47791114-C-G. GRCh37 (hg19) VCF-style: chr2-48018253-C-G.
Other names: c.-289C>G (NM_001281493.2, NM_001406811.1, NM_001406823.1 and 1 more transcripts); c.-455C>G (NM_001281494.2); c.544C>G, p.Pro182Ala (NM_001406795.1, NM_001406802.1); c.448C>G, p.Pro150Ala (NM_001406796.1, NM_001406798.1, NM_001406800.1 and 6 more transcripts); c.151C>G, p.Pro51Ala (NM_001406797.1, NM_001406801.1, NM_001406805.1 and 10 more transcripts); c.370C>G, p.Pro124Ala (NM_001406804.1); c.-481C>G (NM_001406807.1); c.-547C>G (NM_001406814.1); and 2 more; short protein forms P124A, P51A, P182A, P94A, P150A.
Identifiers: ClinVar variation 1740950 (VCV001740950.5), dbSNP rs587782406, ClinGen allele CA346737196.